The following is an entry in ClinVar:

ClinVar aggregate classification (germline): Uncertain significance (1 of 4 stars; one submission).

Conditions:
TTN-related disorder. Also called: TTN-related disorders; TTN-related condition; TTN-related disease.

gnomAD v4.1: 9 of 1,603,264 alleles (0.00056%); highest among the groups gnomAD compares: African/African-American, 0.012%; no homozygotes.

Submission:

PreventionGenetics, part of Exact Sciences
Classification: Uncertain significance for TTN-related condition. Last evaluated: 2026-04-20. Review status: criteria provided, single submitter. Criteria: ACMG Guidelines, 2015. Collection method: clinical testing. Allele origin: germline.
Comment: The TTN c.42412A>C variant is predicted to result in the amino acid substitution p.Thr14138Pro. To our knowledge, this variant has not been reported in the literature. This variant is reported in 0.017% of alleles in individuals of African descent in gnomAD. At this time, the clinical significance of this variant is uncertain due to the absence of conclusive functional and genetic evidence.

NM_001267550.2(TTN):c.42412A>C (p.Thr14138Pro)

Gene: TTN (titin; minus strand). Cytogenetic location: 2q31.2.
Variant type: single nucleotide variant.
Coding change: c.42412A>C on transcript NM_001267550.2 (MANE Select); coding-DNA position 42412, A replaced by C.
Protein change: p.Thr14138Pro; replaces threonine 14138 with proline.
Molecular consequence: missense variant.
Genome position (GRCh38, 1-based): chr2:178,634,369, T>G on the plus strand (A>C on the coding strand, the complement: TTN is on the minus strand). VCF-style: chr2-178634369-T-G. GRCh37 (hg19) VCF-style: chr2-179499096-T-G.
Other names: c.37489A>C, p.Thr12497Pro (NM_001256850.1); c.15217A>C, p.Thr5073Pro (NM_003319.4); c.34708A>C, p.Thr11570Pro (NM_133378.4); c.15592A>C, p.Thr5198Pro (NM_133432.3); c.15793A>C, p.Thr5265Pro (NM_133437.4); short protein forms T14138P, T11570P, T5198P, T5073P, T12497P, T5265P.
Identifiers: ClinVar variation 4985227 (VCV004985227.1).
Genomic context (GRCh38, chr2:178,634,369, plus strand): 5'-AAAGTCATATATTTGCATGCCTTTATGGGATGTCACAGATCTCATTAGCTCGCTTACCTG[T>G]GACAAACAACCGAGCTGAGGTCTTCTTGCCCTCCACCTCAGCAGTATAGACCCCTTCATC-3'
Protein context (NP_001254479.2, residues 14128-14148): GKKTSARLFV[Thr14138Pro]GIRLKFMSPL